The following is an entry in ClinVar:

NM_001374675.1(HSF4):c.991G>A (p.Ala331Thr)

Gene: HSF4 (heat shock transcription factor 4; plus strand). Cytogenetic location: 16q22.1.
Variant type: single nucleotide variant.
Coding change: c.991G>A on transcript NM_001374675.1 (MANE Select); coding-DNA position 991, G replaced by A.
Protein change: p.Ala331Thr; replaces alanine 331 with threonine.
Molecular consequence: missense variant.
Genome position (GRCh38, 1-based): chr16:67,167,856, G>A. VCF-style: chr16-67167856-G-A. GRCh37 (hg19) VCF-style: chr16-67201759-G-A.
Other names: c.991G>A, p.Ala331Thr (NM_001040667.3); c.901G>A, p.Ala301Thr (NM_001374674.1, NM_001538.4); short protein forms A331T, A301T.
Identifiers: ClinVar variation 885527 (VCV000885527.7), dbSNP rs199773890, ClinGen allele CA8102053.

ClinVar aggregate classification (germline): Conflicting classifications of pathogenicity. Review status: criteria provided, conflicting classifications (1 of 4 stars). 4 submissions from 4 submitters: Uncertain significance (2); Benign (2). Last evaluated 2025-08-31.

Conditions:
Cataract 5 multiple types (CTRCT5). Also called: Lamellar cataract; CATARACT 5, LAMELLAR; CATARACT, MARNER TYPE. Identifiers: Orphanet 91492, MedGen C0266537, MONDO:0007290, OMIM 116800, HP:0007971.
Inborn genetic diseases. Identifiers: MedGen C0950123, MeSH D030342.

Allele frequency attached by ClinVar (database versions not stated): gnomAD exomes 0.00006 and 0.00007; TOPMed 0.00006; gnomAD 0.00009; 1000 Genomes Project 30x 0.00016; 1000 Genomes Project 0.00020; ExAC 0.00020.

Submissions (4):

Labcorp Genetics (formerly Invitae), Labcorp
Classification: Uncertain significance for Cataract 5 multiple types. Last evaluated: 2025-08-31. Review status: criteria provided, single submitter. Criteria: Invitae Variant Classification Sherloc (09022015). Collection method: clinical testing. Allele origin: germline.
Comment: This sequence change replaces alanine, which is neutral and non-polar, with threonine, which is neutral and polar, at codon 301 of the HSF4 protein (p.Ala301Thr). This variant is present in population databases (rs199773890, gnomAD 0.01%). This variant has not been reported in the literature in individuals affected with HSF4-related conditions. ClinVar contains an entry for this variant (Variation ID: 885527). Invitae Evidence Modeling of protein sequence and biophysical properties (such as structural, functional, and spatial information, amino acid conservation, physicochemical variation, residue mobility, and thermodynamic stability) indicates that this missense variant is not expected to disrupt HSF4 protein function with a negative predictive value of 80%. In summary, the available evidence is currently insufficient to determine the role of this variant in disease. Therefore, it has been classified as a Variant of Uncertain Significance.

Ambry Genetics
Classification: Uncertain significance for Inborn genetic diseases. Last evaluated: 2023-11-06. Review status: criteria provided, single submitter. Criteria: Ambry Variant Classification Scheme 2023. Collection method: clinical testing. Allele origin: germline.

Illumina Laboratory Services, Illumina
Classification: Benign for Cataract 5 multiple types. Last evaluated: 2018-01-13. Review status: criteria provided, single submitter. Criteria: ICSL Variant Classification Criteria 13 December 2019. Collection method: clinical testing. Allele origin: germline.
Comment: This variant was observed in the ICSL laboratory as part of a predisposition screen in an ostensibly healthy population. It had not been previously curated by ICSL or reported in the Human Gene Mutation Database (HGMD: prior to June 1st, 2018), and was therefore a candidate for classification through an automated scoring system. Utilizing variant allele frequency, disease prevalence and penetrance estimates, and inheritance mode, an automated score was calculated to assess if this variant is too frequent to cause the disease. Based on the score and internal cut-off values, a variant classified as benign is not then subjected to further curation. The score for this variant resulted in a classification of benign for this disease.

Breakthrough Genomics
Classification: Benign. Review status: criteria provided, single submitter. Criteria: ACMG Guidelines, 2015. Collection method: not provided. Allele origin: germline. Inheritance: Autosomal dominant inheritance. Affected: yes.